The following is an entry in ClinVar:

ClinVar aggregate classification (germline): Uncertain significance (1 of 4 stars; one submission).

Conditions:
Inborn genetic diseases. Identifiers: MedGen C0950123, MeSH D030342.

Allele frequency attached by ClinVar (database versions not stated): gnomAD 0.00001; TOPMed 0.00002; gnomAD exomes 0.00004; ExAC 0.00007.
gnomAD v4.1: 60 of 1,613,998 alleles (0.0037%); highest among the groups gnomAD compares: Non-Finnish European, 0.0036%; no homozygotes.

Submission:

Ambry Genetics
Classification: Uncertain significance for Inborn genetic diseases. Last evaluated: 2024-11-26. Review status: criteria provided, single submitter. Criteria: Ambry Variant Classification Scheme 2023. Collection method: clinical testing. Allele origin: germline.
Comment: The p.R443C variant (also known as c.1327C>T), located in coding exon 6 of the SH2B3 gene, results from a C to T substitution at nucleotide position 1327. The arginine at codon 443 is replaced by cysteine, an amino acid with highly dissimilar properties. This amino acid position is conserved. In addition, this alteration is predicted to be tolerated by in silico analysis. Based on the available evidence, the clinical significance of this variant remains unclear.

NM_005475.3(SH2B3):c.1327C>T (p.Arg443Cys)

Gene: SH2B3 (SH2B adaptor protein 3; plus strand). Cytogenetic location: 12q24.12.
Variant type: single nucleotide variant.
Coding change: c.1327C>T on transcript NM_005475.3 (MANE Select); coding-DNA position 1327, C replaced by T.
Protein change: p.Arg443Cys; replaces arginine 443 with cysteine.
Molecular consequence: missense variant.
Genome position (GRCh38, 1-based): chr12:111,447,746, C>T. VCF-style: chr12-111447746-C-T. GRCh37 (hg19) VCF-style: chr12-111885550-C-T.
Other names: c.721C>T, p.Arg241Cys (NM_001291424.1); short protein forms R241C, R443C.
Identifiers: ClinVar variation 2543522 (VCV002543522.3), dbSNP rs775891572, ClinGen allele CA6789952.
Genomic context (GRCh38, chr12:111,447,746, plus strand): 5'-CAGTGCCGTGTGCAGCACCTCCACTTTCCCTCGGTCGTGGACATGCTCCACCACTTCCAG[C>T]GCTCGCCCATCCCACTCGAGTGCGGCGCCGCCTGTGATGTCCGGCTCTCCAGCTACGTGG-3'
Protein context (NP_005466.1, residues 433-453): SVVDMLHHFQ[Arg443Cys]SPIPLECGAA